The following is an entry in ClinVar:

ClinVar aggregate classification (germline): Uncertain significance. Review status: criteria provided, multiple submitters, no conflicts (2 of 4 stars). 2 submissions from 2 submitters: Uncertain significance (2). Last evaluated 2025-08-27.

Conditions:
Evans syndrome, immunodeficiency, and premature immunosenescence associated with tripeptidyl-peptidase II deficiency. Identifiers: MedGen CN231723. Disease mechanism: loss of function.
Inborn genetic diseases. Identifiers: MedGen C0950123, MeSH D030342.

Allele frequency attached by ClinVar (database versions not stated): ExAC 0.00002; gnomAD exomes 0.00002; gnomAD 0.00005 and 0.00007.
gnomAD v4.1: 45 of 1,611,778 alleles (0.0028%); highest among the groups gnomAD compares: South Asian, 0.017%; no homozygotes.

Submissions (2):

Ambry Genetics
Classification: Uncertain significance for Inborn genetic diseases. Last evaluated: 2025-08-27. Review status: criteria provided, single submitter. Criteria: Ambry Variant Classification Scheme 2023. Collection method: clinical testing. Allele origin: germline.

Labcorp Genetics (formerly Invitae), Labcorp
Classification: Uncertain significance for Evans syndrome, immunodeficiency, and premature immunosenescence associated with tripeptidyl-peptidase II deficiency. Last evaluated: 2022-02-05. Review status: criteria provided, single submitter. Criteria: Invitae Variant Classification Sherloc (09022015). Collection method: clinical testing. Allele origin: germline.
Comment: This sequence change replaces threonine, which is neutral and polar, with alanine, which is neutral and non-polar, at codon 1108 of the TPP2 protein (p.Thr1108Ala). This variant is present in population databases (rs758472813, gnomAD 0.01%). This variant has not been reported in the literature in individuals affected with TPP2-related conditions. Algorithms developed to predict the effect of missense changes on protein structure and function output the following: SIFT: "Tolerated"; PolyPhen-2: "Benign"; Align-GVGD: "Class C0". The alanine amino acid residue is found in multiple mammalian species, which suggests that this missense change does not adversely affect protein function. In summary, the available evidence is currently insufficient to determine the role of this variant in disease. Therefore, it has been classified as a Variant of Uncertain Significance.

NM_001330588.2(TPP2):c.3361A>G (p.Thr1121Ala)

Gene: TPP2 (tripeptidyl peptidase 2; plus strand). Cytogenetic location: 13q33.1.
Variant type: single nucleotide variant.
Coding change: c.3361A>G on transcript NM_001330588.2 (MANE Select); coding-DNA position 3361, A replaced by G.
Protein change: p.Thr1121Ala; replaces threonine 1121 with alanine.
Molecular consequence: missense variant. On other transcripts: non-coding transcript variant (1).
Genome position (GRCh38, 1-based): chr13:102,664,915, A>G. VCF-style: chr13-102664915-A-G. GRCh37 (hg19) VCF-style: chr13-103317265-A-G.
Other names: c.3322A>G, p.Thr1108Ala (NM_001367947.1, NM_003291.4); c.3322A>G (NM_003291.2); short protein forms T1108A, T1121A.
Identifiers: ClinVar variation 1434027 (VCV001434027.4), dbSNP rs758472813, ClinGen allele CA7038257.